The following is an entry in ClinVar:

NM_001110556.2(FLNA):c.3364T>C (p.Cys1122Arg)

Gene: FLNA (filamin A; minus strand). Cytogenetic location: Xq28.
Variant type: single nucleotide variant.
Coding change: c.3364T>C on transcript NM_001110556.2 (MANE Select); coding-DNA position 3364, T replaced by C.
Protein change: p.Cys1122Arg; replaces cysteine 1122 with arginine.
Molecular consequence: missense variant.
Genome position (GRCh38, 1-based): chrX:154,360,431, A>G on the plus strand (T>C on the coding strand, the complement: FLNA is on the minus strand). VCF-style: chrX-154360431-A-G. GRCh37 (hg19) VCF-style: chrX-153588799-A-G.
Other names: c.3364T>C, p.Cys1122Arg (NM_001456.4); short protein forms C1122R.
Identifiers: ClinVar variation 3061389 (VCV003061389.2), dbSNP rs2522741699, ClinGen allele CA415228224.
Genomic context (GRCh38, chrX:154,360,431, plus strand): 5'-CAGCGAAGAGGATGTTGATGTTGTAGTCCCCGGGCTCGGTGGGCACGTAGGACACGGAAC[A>G]TGTGCCATCCCCATTGTCCAAGCACTCGAGCTGCGCCTCACAGGGGCCCTCCACCGTCAG-3'
Protein context (NP_001104026.1, residues 1112-1132): LECLDNGDGT[Cys1122Arg]SVSYVPTEPG

ClinVar aggregate classification (germline): Uncertain significance (0 of 4 stars; one submission).

Conditions:
FLNA-related disorder.

gnomAD v4.1: 2 of 1,211,574 alleles (0.00017%); highest among the groups gnomAD compares: African/African-American, 0.0017%; no homozygotes.

Submission:

PreventionGenetics, part of Exact Sciences
Classification: Uncertain significance for FLNA-related condition. Last evaluated: 2024-02-01. Review status: no assertion criteria provided. Collection method: clinical testing. Allele origin: germline.
Comment: The FLNA c.3364T>C variant is predicted to result in the amino acid substitution p.Cys1122Arg. To our knowledge, this variant has not been reported in the literature or in a large population database, indicating this variant is rare. At this time, the clinical significance of this variant is uncertain due to the absence of conclusive functional and genetic evidence.